The following is an entry in ClinVar:

NM_000285.4(PEPD):c.504-2A>G

Gene: PEPD (peptidase D; minus strand). Cytogenetic location: 19q13.11.
Variant type: single nucleotide variant.
Coding change: c.504-2A>G on transcript NM_000285.4 (MANE Select); the canonical splice acceptor site of the intron before coding-DNA position 504, A replaced by G.
Molecular consequence: splice acceptor variant.
Genome position (GRCh38, 1-based): chr19:33,478,092, T>C on the plus strand (A>G on the coding strand, the complement: PEPD is on the minus strand). VCF-style: chr19-33478092-T-C. GRCh37 (hg19) VCF-style: chr19-33968998-T-C.
Other names: c.312-2A>G (NM_001166057.2); c.504-2A>G (NM_001166056.2).
Identifiers: ClinVar variation 2736862 (VCV002736862.3), dbSNP rs753775083, ClinGen allele CA9364273.

ClinVar aggregate classification (germline): Pathogenic (1 of 4 stars; one submission).

Allele frequency attached by ClinVar (database versions not stated): gnomAD exomes below 0.00001; ExAC 0.00001; gnomAD 0.00001; TOPMed 0.00001.
gnomAD v4.1: 7 of 1,606,666 alleles (0.00044%); highest among the groups gnomAD compares: Non-Finnish European, 0.0006%; no homozygotes.

Submission:

Labcorp Genetics (formerly Invitae), Labcorp
Classification: Pathogenic. Last evaluated: 2023-12-09. Review status: criteria provided, single submitter. Criteria: Invitae Variant Classification Sherloc (09022015). Collection method: clinical testing. Allele origin: germline.
Comment: This sequence change affects an acceptor splice site in intron 6 of the PEPD gene. RNA analysis indicates that disruption of this splice site induces altered splicing and likely results in a shortened protein product. The frequency data for this variant in the population databases is considered unreliable, as metrics indicate poor data quality at this position in the gnomAD database. Disruption of this splice site has been observed in individual(s) with prolidase deficiency (PMID: 8198124, 8408817). This variant is also known as IVS 6-2 A>G. Studies have shown that disruption of this splice site alters PEPD gene expression (PMID: 8198124). Studies have shown that disruption of this splice site results in skipping of exon 7, but is expected to preserve the integrity of the reading-frame (PMID: 8198124). For these reasons, this variant has been classified as Pathogenic.

Literature cited by the submitters: PubMed 8198124; PubMed 8408817.